The following is an entry in ClinVar:

ClinVar aggregate classification (germline): Pathogenic (1 of 4 stars; one submission).

Conditions:
DICER1-related tumor predisposition. Also called: DICER1 syndrome; DICER1-related pleuropulmonary blastoma cancer predisposition syndrome. Identifiers: Orphanet 284343, MedGen C3839822, MONDO:0100216.

Submission:

Labcorp Genetics (formerly Invitae), Labcorp
Classification: Pathogenic for DICER1-related tumor predisposition. Last evaluated: 2024-02-23. Review status: criteria provided, single submitter. Criteria: Invitae Variant Classification Sherloc (09022015). Collection method: clinical testing. Allele origin: germline.
Comment: This sequence change creates a premature translational stop signal (p.Glu1796Glyfs*7) in the DICER1 gene. It is expected to result in an absent or disrupted protein product. Loss-of-function variants in DICER1 are known to be pathogenic (PMID: 19556464, 21266384). This variant is not present in population databases (gnomAD no frequency). This variant has not been reported in the literature in individuals affected with DICER1-related conditions. ClinVar contains an entry for this variant (Variation ID: 2015857). For these reasons, this variant has been classified as Pathogenic.

Literature cited by the submitters: PubMed 19556464; PubMed 21266384.

NM_177438.3(DICER1):c.5387_5388del (p.Glu1796fs)

Gene: DICER1 (dicer 1, ribonuclease III; minus strand). Cytogenetic location: 14q32.13.
Variant type: Deletion.
Coding change: c.5387_5388del on transcript NM_177438.3 (MANE Select); coding-DNA positions 5387 to 5388, 2 bases deleted (AA; older notation c.5387_5388delAA).
Protein change: p.Glu1796fs; shifts the reading frame from glutamic acid 1796.
Molecular consequence: frameshift variant. On other transcripts: non-coding transcript variant (6), intron variant (1).
Genome position (GRCh38, 1-based): chr14:95,091,342-95,091,343, TT deleted on the plus strand (AA on the coding strand, the reverse complement: DICER1 is on the minus strand). VCF-style (leftmost placement, unchanged base first): chr14-95091341-CTT-C. GRCh37 (hg19) VCF-style: chr14-95557678-CTT-C.
Other names: c.5387_5388del, p.Glu1796fs (NM_001271282.3, NM_001291628.2, NM_001395677.1 and 7 more transcripts); c.5387_5388delAA, p.Glu1796Glyfs (NM_001395681.1); c.5105_5106del, p.Glu1702fs (NM_001395686.1); c.4982_4983del, p.Glu1661fs (NM_001395687.1, NM_001395688.1, NM_001395689.1 and 1 more transcripts); c.4820_4821del, p.Glu1607fs (NM_001395691.1); c.3704_3705del, p.Glu1235fs (NM_001395697.1); c.5365-234_5365-233del (NM_001195573.1); short protein forms E1235fs, E1702fs, E1796fs, E1607fs, E1661fs.
Identifiers: ClinVar variation 2015857 (VCV002015857.4), dbSNP rs2542407738, ClinGen allele CA2580089006.